The following is an entry in ClinVar:

NM_001927.4(DES):c.465C>T (p.Tyr155=)

Gene: DES (desmin; plus strand). Cytogenetic location: 2q35.
Variant type: single nucleotide variant.
Coding change: c.465C>T on transcript NM_001927.4 (MANE Select); coding-DNA position 465, C replaced by T.
Protein change: p.Tyr155=; no amino-acid change (tyrosine 155 retained).
Molecular consequence: synonymous variant.
Genome position (GRCh38, 1-based): chr2:219,418,927, C>T. VCF-style: chr2-219418927-C-T. GRCh37 (hg19) VCF-style: chr2-220283649-C-T.
Other names: c.465C>T (NM_001927.3).
Identifiers: ClinVar variation 809163 (VCV000809163.48), dbSNP rs1458306248, ClinGen allele CA431427848.

ClinVar aggregate classification (germline): Conflicting classifications of pathogenicity. Review status: criteria provided, conflicting classifications (1 of 4 stars). 3 submissions from 3 submitters: Uncertain significance (1); Likely benign (2). Last evaluated 2025-04-09.

Conditions:
Desmin-related myofibrillar myopathy (MFM1). Also called: MYOFIBRILLAR MYOPATHY WITH ARRHYTHMOGENIC RIGHT VENTRICULAR CARDIOMYOPATHY; Desmin related myopathy (former name); Desmin storage myopathy (former name); Desminopathy; DESMIN-RELATED MYOPATHY WITH ARRHYTHMOGENIC RIGHT VENTRICULAR CARDIOMYOPATHY; Myofibrillar myopathy 1. Identifiers: Orphanet 363543, Orphanet 98909, MedGen C1832370, MONDO:0011076, OMIM 601419.

Allele frequency attached by ClinVar (database versions not stated): TOPMed below 0.00001.
gnomAD v4.1: 5 of 1,561,018 alleles (0.00032%); highest among the groups gnomAD compares: South Asian, 0.0012%; no homozygotes.

Submissions (3):

Molecular Diagnostic Laboratory for Inherited Cardiovascular Disease, Montreal Heart Institute
Classification: Likely benign. Last evaluated: 2025-04-09. Review status: criteria provided, single submitter. Criteria: ACMG Guidelines, 2015. Collection method: clinical testing. Allele origin: germline. Affected: no.
Comment: BP7

Labcorp Genetics (formerly Invitae), Labcorp
Classification: Likely benign for Desmin-related myofibrillar myopathy. Last evaluated: 2022-02-08. Review status: criteria provided, single submitter. Criteria: Invitae Variant Classification Sherloc (09022015). Collection method: clinical testing. Allele origin: germline.

CeGaT Center for Human Genetics Tuebingen
Classification: Uncertain significance. Last evaluated: 2016-06-01. Review status: criteria provided, single submitter. Criteria: CeGaT Center For Human Genetics Tuebingen Variant Classification Criteria Version 2. Collection method: clinical testing. Allele origin: germline. Affected: yes. Observed: 1 variant allele.